The following is an entry in ClinVar:

ClinVar aggregate classification (germline): Pathogenic. Review status: criteria provided, multiple submitters, no conflicts (2 of 4 stars). 4 submissions from 4 submitters: Pathogenic (4). Last evaluated 2026-09-08.

Conditions:
Fabry disease. Also called: Ceramide trihexosidosis; Fabry's disease; HEREDITARY DYSTOPIC LIPIDOSIS; Angiokeratoma corporis diffusum; ALPHA-GALACTOSIDASE A DEFICIENCY; ANDERSON-FABRY DISEASE. Identifiers: Orphanet 324, MedGen C0002986, MONDO:0010526, OMIM 301500, HP:0001071. Disease mechanism: Fabry disease is due to inactivating mutations in the X-linked GLA gene resulting in deficiency of the enzyme Alpha Galactosidase-A., loss of function.

Allele frequency attached by ClinVar (database versions not stated): gnomAD exomes below 0.00001.
gnomAD v4.1: 1 of 1,203,065 alleles (0.000083%); highest among the groups gnomAD compares: Non-Finnish European, 0.00011%; no homozygotes.

Submissions (4):

Genomenon, Inc
Classification: Pathogenic for Fabry disease. Last evaluated: 2026-09-08. Review status: criteria provided, single submitter. Criteria: Genomenon Sequence Variant Interpretation Standards - Updated. Collection method: curation. Allele origin: germline. Affected: yes.
Comment: GLA p.Tyr216Cys (c.647A>G) is a missense variant that changes the amino acid at codon 216 from Tyrosine to Cysteine. This variant has been observed in at least one proband with clinical features consistent with Fabry disease (PMID:31242288;25955246;27657681;38940325;27560961;19808286;20367968;27834756;19941952;26362204;18467700;39609713;28069318;28756410;30723321). The variant was found to segregate with disease in at least one affected family (PMID:26362204;28069318). At least one functional study has demonstrated a substantial alteration in protein function relative to the wild-type (PMID:32023956;30723321;27657681). It is absent or not present at a significant frequency in gnomAD. In silico models predict that this variant is possibly or probably damaging. In conclusion, we classify GLA p.Tyr216Cys (c.647A>G) as a pathogenic variant.

Labcorp Genetics (formerly Invitae), Labcorp
Classification: Pathogenic for Fabry disease. Last evaluated: 2026-01-18. Review status: criteria provided, single submitter. Criteria: Invitae Variant Classification Sherloc (09022015). Collection method: clinical testing. Allele origin: germline.
Comment: This sequence change replaces tyrosine, which is neutral and polar, with cysteine, which is neutral and slightly polar, at codon 216 of the GLA protein (p.Tyr216Cys). This variant is not present in population databases (gnomAD no frequency). This missense change has been observed in individual(s) with Fabry disease (PMID: 19941952, 20367968, 27560961, 28756410; internal data). It has also been observed to segregate with disease in related individuals. ClinVar contains an entry for this variant (Variation ID: 92561). Invitae Evidence Modeling of protein sequence and biophysical properties (such as structural, functional, and spatial information, amino acid conservation, physicochemical variation, residue mobility, and thermodynamic stability) indicates that this missense variant is expected to disrupt GLA protein function with a positive predictive value of 80%. Experimental studies have shown that this missense change affects GLA function (PMID: 19941952). For these reasons, this variant has been classified as Pathogenic.

Genome-Nilou Lab
Classification: Pathogenic for Fabry disease. Last evaluated: 2021-07-15. Review status: criteria provided, single submitter. Criteria: ACMG Guidelines, 2015. Collection method: clinical testing. Allele origin: germline. Affected: no.

Eurofins Ntd Llc (ga)
Classification: Pathogenic. Last evaluated: 2012-12-18. Review status: criteria provided, single submitter. Criteria: EGL Classification Definitions 2015. Collection method: clinical testing. Allele origin: germline.

Literature cited by the submitters: PubMed 31242288 (cited by Genomenon, Inc); PubMed 25955246 (cited by Genomenon, Inc); PubMed 27657681 (cited by Genomenon, Inc); PubMed 38940325 (cited by Genomenon, Inc); PubMed 27560961 (cited by Genomenon, Inc and Labcorp Genetics (formerly Invitae), Labcorp); PubMed 19808286 (cited by Genomenon, Inc); PubMed 20367968 (cited by Genomenon, Inc and Labcorp Genetics (formerly Invitae), Labcorp); PubMed 27834756 (cited by Genomenon, Inc); PubMed 19941952 (cited by Genomenon, Inc and Labcorp Genetics (formerly Invitae), Labcorp); PubMed 26362204 (cited by Genomenon, Inc); PubMed 18467700 (cited by Genomenon, Inc); PubMed 39609713 (cited by Genomenon, Inc); PubMed 28069318 (cited by Genomenon, Inc); PubMed 28756410 (cited by Genomenon, Inc and Labcorp Genetics (formerly Invitae), Labcorp); PubMed 30723321 (cited by Genomenon, Inc); PubMed 32023956 (cited by Genomenon, Inc).

NM_000169.3(GLA):c.647A>G (p.Tyr216Cys)

Genes: GLA (galactosidase alpha; minus strand), RPL36A-HNRNPH2 (RPL36A-HNRNPH2 readthrough; plus strand). Cytogenetic location: Xq22.1.
Variant type: single nucleotide variant.
Coding change: c.647A>G on transcript NM_000169.3 (MANE Select); coding-DNA position 647, A replaced by G.
Protein change: p.Tyr216Cys; replaces tyrosine 216 with cysteine.
Molecular consequence: missense variant. On other transcripts: non-coding transcript variant (3), intron variant (2).
Genome position (GRCh38, 1-based): chrX:101,398,939, T>C on the plus strand (A>G on the coding strand, the complement: GLA is on the minus strand). VCF-style: chrX-101398939-T-C. GRCh37 (hg19) VCF-style: chrX-100653927-T-C.
Other names: c.770A>G, p.Tyr257Cys (NM_001406747.1); c.647A>G, p.Tyr216Cys (NM_001406748.1); c.300+3482T>C (NM_001199973.2); c.177+7117T>C (NM_001199974.2); short protein forms Y257C.
Identifiers: ClinVar variation 92561 (VCV000092561.17), dbSNP rs398123217, ClinGen allele CA021931.
Genomic context (GRCh38, chrX:101,398,939, plus strand): 5'-CAGGAATCATCAATGTCAGCAAAATTTCGCCAGTGATTGCAGTACTGTCGGATTTCTGTA[T>C]AATTGGGCTGTGAAAACAGATATGACTCTTCTGTTTACTTTCTACTAACATCCTTGTGAG-3'
Protein context (NP_000160.1, residues 206-226): LYMWPFQKPN[Tyr216Cys]TEIRQYCNHW